The following is an entry in ClinVar:

ClinVar aggregate classification (germline): Benign/Likely benign. Review status: criteria provided, multiple submitters, no conflicts (2 of 4 stars). 4 submissions from 4 submitters: Benign (1); Likely benign (3). Last evaluated 2025-02-24.

Conditions:
Hereditary cancer-predisposing syndrome. Also called: Tumor predisposition; Neoplastic Syndromes, Hereditary; Hereditary neoplastic syndrome; Hereditary Cancer Syndrome. Identifiers: Orphanet 140162, MedGen C0027672, MeSH D009386, MONDO:0015356.
Familial adenomatous polyposis 1 (FAP1). Also called: POLYPOSIS, ADENOMATOUS INTESTINAL; FAMILIAL ADENOMATOUS POLYPOSIS 1, ATTENUATED. Identifiers: MedGen C2713442, MONDO:0021056, OMIM 175100. Disease mechanism: loss of function.

Allele frequency attached by ClinVar (database versions not stated): gnomAD exomes below 0.00001.
gnomAD v4.1: 1 of 1,614,114 alleles (0.000062%); no homozygotes.

Submissions (4):

Labcorp Genetics (formerly Invitae), Labcorp
Classification: Likely benign for Familial adenomatous polyposis 1. Last evaluated: 2025-02-24. Review status: criteria provided, single submitter. Criteria: Invitae Variant Classification Sherloc (09022015). Collection method: clinical testing. Allele origin: germline.

Myriad Genetics, Inc.
Classification: Benign for Familial adenomatous polyposis 1. Last evaluated: 2024-04-15. Review status: criteria provided, single submitter. Criteria: Myriad Autosomal Dominant, Autosomal Recessive and X-Linked Classification Criteria (2023). Collection method: clinical testing. Allele origin: unknown.
Comment: This variant is considered benign. This variant is a silent/synonymous amino acid change and it is not expected to impact splicing.

Ambry Genetics
Classification: Likely benign for Hereditary cancer-predisposing syndrome. Last evaluated: 2021-04-22. Review status: criteria provided, single submitter. Criteria: Ambry Variant Classification Scheme 2023. Collection method: clinical testing. Allele origin: germline.

Color Diagnostics, LLC DBA Color Health
Classification: Likely benign for Hereditary cancer-predisposing syndrome. Last evaluated: 2017-12-19. Review status: criteria provided, single submitter. Criteria: ACMG Guidelines, 2015. Collection method: clinical testing. Allele origin: germline.

NM_000038.6(APC):c.8244A>G (p.Val2748=)

Gene: APC (APC regulator of Wnt signaling pathway; plus strand). Cytogenetic location: 5q22.2.
Variant type: single nucleotide variant.
Coding change: c.8244A>G on transcript NM_000038.6 (MANE Select); coding-DNA position 8244, A replaced by G.
Protein change: p.Val2748=; no amino-acid change (valine 2748 retained).
Molecular consequence: synonymous variant.
Genome position (GRCh38, 1-based): chr5:112,843,838, A>G. VCF-style: chr5-112843838-A-G. GRCh37 (hg19) VCF-style: chr5-112179535-A-G.
Other names: c.8244A>G, p.Val2748= (NM_001127510.3, NM_001354895.2); c.8190A>G, p.Val2730= (NM_001127511.3); c.8298A>G, p.Val2766= (NM_001354896.2); c.8274A>G, p.Val2758= (NM_001354897.2); c.8169A>G, p.Val2723= (NM_001354898.2); c.8160A>G, p.Val2720= (NM_001354899.2); c.8121A>G, p.Val2707= (NM_001354900.2); c.8067A>G, p.Val2689= (NM_001354901.2); and 5 more.
Identifiers: ClinVar variation 631066 (VCV000631066.16), dbSNP rs1422980338, ClinGen allele CA446211342.